The following is an entry in ClinVar:

NM_006914.4(RORB):c.472G>A (p.Val158Ile)

Gene: RORB (RAR related orphan receptor B; plus strand). Cytogenetic location: 9q21.13.
Variant type: single nucleotide variant.
Coding change: c.472G>A on transcript NM_006914.4 (MANE Select); coding-DNA position 472, G replaced by A.
Protein change: p.Val158Ile; replaces valine 158 with isoleucine.
Molecular consequence: missense variant.
Genome position (GRCh38, 1-based): chr9:74,642,650, G>A. VCF-style: chr9-74642650-G-A. GRCh37 (hg19) VCF-style: chr9-77257566-G-A.
Other names: c.505G>A, p.Val169Ile (NM_001365023.1); short protein forms V158I, V169I.
Identifiers: ClinVar variation 1409680 (VCV001409680.6), dbSNP rs746472889, ClinGen allele CA5083375.
Genomic context (GRCh38, chr9:74,642,650, plus strand): 5'-AGCGGCACTTATGCCAACGGGCACGTCATTGACCTGCCCAAGTCTGAGGGTTATTACAAC[G>A]TCGATTCCGGTCAGCCGTCCCCTGATCAGTCAGGACTTGACATGACTGGAATCAAACAGA-3'
Protein context (NP_008845.2, residues 148-168): DLPKSEGYYN[Val158Ile]DSGQPSPDQS

ClinVar aggregate classification (germline): Uncertain significance (1 of 4 stars; one submission).

Allele frequency attached by ClinVar (database versions not stated): TOPMed below 0.00001; ExAC 0.00001.
gnomAD v4.1: 16 of 1,614,190 alleles (0.00099%); highest among the groups gnomAD compares: East Asian, 0.011%; no homozygotes.

Submission:

Labcorp Genetics (formerly Invitae), Labcorp
Classification: Uncertain significance. Last evaluated: 2022-01-12. Review status: criteria provided, single submitter. Criteria: Invitae Variant Classification Sherloc (09022015). Collection method: clinical testing. Allele origin: germline.
Comment: In summary, the available evidence is currently insufficient to determine the role of this variant in disease. Therefore, it has been classified as a Variant of Uncertain Significance. Algorithms developed to predict the effect of missense changes on protein structure and function output the following: SIFT: "Tolerated"; PolyPhen-2: "Benign"; Align-GVGD: "Class C0". The isoleucine amino acid residue is found in multiple mammalian species, which suggests that this missense change does not adversely affect protein function. This variant has not been reported in the literature in individuals affected with RORB-related conditions. This variant is present in population databases (rs746472889, gnomAD 0.006%). This sequence change replaces valine, which is neutral and non-polar, with isoleucine, which is neutral and non-polar, at codon 158 of the RORB protein (p.Val158Ile).